The following is an entry in ClinVar:

NM_005529.7(HSPG2):c.12449G>A (p.Arg4150His)

Gene: HSPG2 (heparan sulfate proteoglycan 2; minus strand). Cytogenetic location: 1p36.12.
Variant type: single nucleotide variant.
Coding change: c.12449G>A on transcript NM_005529.7 (MANE Select); coding-DNA position 12449, G replaced by A.
Protein change: p.Arg4150His; replaces arginine 4150 with histidine.
Molecular consequence: missense variant.
Genome position (GRCh38, 1-based): chr1:21,828,113, C>T on the plus strand (G>A on the coding strand, the complement: HSPG2 is on the minus strand). VCF-style: chr1-21828113-C-T. GRCh37 (hg19) VCF-style: chr1-22154606-C-T.
Other names: c.12452G>A, p.Arg4151His (NM_001291860.2); c.12449G>A (NM_005529.5); short protein forms R4150H, R4151H.
Identifiers: ClinVar variation 1363809 (VCV001363809.5), dbSNP rs757540704, ClinGen allele CA669422.
Genomic context (GRCh38, chr1:21,828,113, plus strand): 5'-AAGCCAGGGAGGCAGAGGCAGCGGGTGCCCTGGCAGGTGCCCCCATGCAGACAGGGTTCA[C>T]GGAGCTGGCAGGGGTTCTCCTCGTGCTCACACAGGTCTCCTGTGGGCCAGGGCAGAGGCG-3'
Protein context (NP_005520.4, residues 4140-4160): CEHEENPCQL[Arg4150His]EPCLHGGTCQ

ClinVar aggregate classification (germline): Uncertain significance. Review status: criteria provided, multiple submitters, no conflicts (2 of 4 stars). 2 submissions from 2 submitters: Uncertain significance (2). Last evaluated 2023-06-20.

Allele frequency attached by ClinVar (database versions not stated): gnomAD 0.00001; gnomAD exomes 0.00001 and 0.00002; TOPMed 0.00001; ExAC 0.00002.
gnomAD v4.1: 21 of 1,443,622 alleles (0.0015%); highest among the groups gnomAD compares: South Asian, 0.0023%; no homozygotes.

Submissions (2):

GeneDx
Classification: Uncertain significance. Last evaluated: 2023-06-20. Review status: criteria provided, single submitter. Criteria: GeneDx Variant Classification Process June 2021. Collection method: clinical testing. Allele origin: germline. Affected: yes.
Comment: In silico analysis supports that this missense variant does not alter protein structure/function; Has not been previously published as pathogenic or benign to our knowledge

Labcorp Genetics (formerly Invitae), Labcorp
Classification: Uncertain significance. Last evaluated: 2021-09-24. Review status: criteria provided, single submitter. Criteria: Invitae Variant Classification Sherloc (09022015). Collection method: clinical testing. Allele origin: germline.
Comment: This sequence change replaces arginine with histidine at codon 4150 of the HSPG2 protein (p.Arg4150His). The arginine residue is weakly conserved and there is a small physicochemical difference between arginine and histidine. This variant is present in population databases (rs757540704, ExAC 0.006%). This variant has not been reported in the literature in individuals with HSPG2-related disease. Algorithms developed to predict the effect of missense changes on protein structure and function output the following: SIFT: "Tolerated"; PolyPhen-2: "Benign"; Align-GVGD: "Class C0". The histidine amino acid residue is found in multiple mammalian species, suggesting that this missense change does not adversely affect protein function. These predictions have not been confirmed by published functional studies and their clinical significance is uncertain. In summary, the available evidence is currently insufficient to determine the role of this variant in disease. Therefore, it has been classified as a Variant of Uncertain Significance.